The following is an entry in ClinVar:

NM_001330588.2(TPP2):c.1891A>G (p.Ile631Val)

Gene: TPP2 (tripeptidyl peptidase 2; plus strand). Cytogenetic location: 13q33.1.
Variant type: single nucleotide variant.
Coding change: c.1891A>G on transcript NM_001330588.2 (MANE Select); coding-DNA position 1891, A replaced by G.
Protein change: p.Ile631Val; replaces isoleucine 631 with valine.
Molecular consequence: missense variant. On other transcripts: non-coding transcript variant (1).
Genome position (GRCh38, 1-based): chr13:102,638,293, A>G. VCF-style: chr13-102638293-A-G. GRCh37 (hg19) VCF-style: chr13-103290643-A-G.
Other names: c.1891A>G, p.Ile631Val (NM_001367947.1, NM_003291.4); short protein forms I631V.
Identifiers: ClinVar variation 1504627 (VCV001504627.8), dbSNP rs188995641, ClinGen allele CA388490989.

ClinVar aggregate classification (germline): Uncertain significance (1 of 4 stars; one submission).

Conditions:
Evans syndrome, immunodeficiency, and premature immunosenescence associated with tripeptidyl-peptidase II deficiency. Identifiers: MedGen CN231723. Disease mechanism: loss of function.

gnomAD v4.1: 20 of 1,613,006 alleles (0.0012%); highest among the groups gnomAD compares: Non-Finnish European, 0.0017%; no homozygotes.

Submission:

Labcorp Genetics (formerly Invitae), Labcorp
Classification: Uncertain significance for Evans syndrome, immunodeficiency, and premature immunosenescence associated with tripeptidyl-peptidase II deficiency. Last evaluated: 2022-08-09. Review status: criteria provided, single submitter. Criteria: Invitae Variant Classification Sherloc (09022015). Collection method: clinical testing. Allele origin: germline.
Comment: This sequence change replaces isoleucine, which is neutral and non-polar, with valine, which is neutral and non-polar, at codon 631 of the TPP2 protein (p.Ile631Val). This variant is not present in population databases (gnomAD no frequency). This variant has not been reported in the literature in individuals affected with TPP2-related conditions. ClinVar contains an entry for this variant (Variation ID: 1504627). Algorithms developed to predict the effect of missense changes on protein structure and function output the following: SIFT: "Tolerated"; PolyPhen-2: "Benign"; Align-GVGD: "Class C0". The valine amino acid residue is found in multiple mammalian species, which suggests that this missense change does not adversely affect protein function. In summary, the available evidence is currently insufficient to determine the role of this variant in disease. Therefore, it has been classified as a Variant of Uncertain Significance.